The following is an entry in ClinVar:

ClinVar aggregate classification (germline): Pathogenic (1 of 4 stars; one submission).

Conditions:
Familial cancer of breast. Also called: Hereditary breast cancer; BREAST CANCER, FAMILIAL; hereditary breast carcinoma. Identifiers: Orphanet 227535, MedGen C0346153, MONDO:0016419, OMIM 114480. Disease mechanism: loss of function.

Submission:

Labcorp Genetics (formerly Invitae), Labcorp
Classification: Pathogenic for Familial cancer of breast. Last evaluated: 2025-09-27. Review status: criteria provided, single submitter. Criteria: Invitae Variant Classification Sherloc (09022015). Collection method: clinical testing. Allele origin: germline.
Comment: This sequence change creates a premature translational stop signal (p.Arg201Aspfs*11) in the BARD1 gene. It is expected to result in an absent or disrupted protein product. Loss-of-function variants in BARD1 are known to be pathogenic (PMID: 20077502, 21344236). This variant is present in population databases (no rsID available, gnomAD 0.004%). This variant has not been reported in the literature in individuals affected with BARD1-related conditions. ClinVar contains an entry for this variant (Variation ID: 2015348). For these reasons, this variant has been classified as Pathogenic.

Literature cited by the submitters: PubMed 20077502; PubMed 21344236.

NM_000465.4(BARD1):c.601del (p.Arg201fs)

Gene: BARD1 (BRCA1 associated RING domain 1; minus strand). Cytogenetic location: 2q35.
Variant type: Deletion.
Coding change: c.601del on transcript NM_000465.4 (MANE Select); coding-DNA position 601, one base deleted (A; older notation c.601delA).
Protein change: p.Arg201fs; shifts the reading frame from arginine 201.
Molecular consequence: frameshift variant. On other transcripts: non-coding transcript variant (2), intron variant (3).
Genome position (GRCh38, 1-based): chr2:214,781,273, T deleted on the plus strand (A on the coding strand, the reverse complement: BARD1 is on the minus strand); the first of 2 consecutive T bases (chr2:214,781,273-214,781,274); deleting either gives the same sequence. VCF-style (leftmost placement, unchanged base first): chr2-214781272-CT-C. GRCh37 (hg19) VCF-style: chr2-215645996-CT-C.
Other names: c.544del, p.Arg182fs (NM_001282543.2); c.158+28139del (NM_001282548.2); c.215+15788del (NM_001282545.2); c.364+11024del (NM_001282549.2); short protein forms R182fs, R201fs.
Identifiers: ClinVar variation 2015348 (VCV002015348.4), dbSNP rs1336824977, ClinGen allele CA539837394.
Genomic context (GRCh38, chr2:214,781,272, plus strand): 5'-TCTAAATTCCATTTTTGGTTGATTTCAGCTAAAGTTTTCTTTTTTTGCTTTTTTCCAGAT[CT>C]TGCAGAAGCCTTTTTAGCCCTCTCAGAAACATCTGCAGGAGGACTTGGGGAAACAAATTC-3'